The following is an entry in ClinVar:

ClinVar aggregate classification (germline): Uncertain significance. Review status: criteria provided, multiple submitters, no conflicts (2 of 4 stars). 2 submissions from 2 submitters: Uncertain significance (2). Last evaluated 2025-02-16.

Conditions:
Congenital myotonia, autosomal dominant form (THD). Also called: THOMSEN DISEASE; Myotonia congenita autosomal dominant. Identifiers: Orphanet 614, MedGen C2936781, MONDO:0008055, OMIM 160800.
Congenital myotonia, autosomal recessive form. Also called: Becker Generalized Myotonia; myotonia congenita, autosomal recessive; BECKER DISEASE. Identifiers: Orphanet 614, MedGen C0751360, MONDO:0009715, OMIM 255700.

gnomAD v4.1: 9 of 1,614,208 alleles (0.00056%); highest among the groups gnomAD compares: Non-Finnish European, 0.00076%; no homozygotes.

Submissions (2):

Laboratory of Genetics, Children's Clinical University Hospital Latvia
Classification: Uncertain significance. Last evaluated: 2025-02-16. Review status: criteria provided, single submitter. Criteria: ACMG Guidelines, 2015. Collection method: clinical testing. Allele origin: germline. Affected: yes.

Labcorp Genetics (formerly Invitae), Labcorp
Classification: Uncertain significance for Congenital myotonia, autosomal recessive form; Congenital myotonia, autosomal dominant form. Last evaluated: 2024-09-15. Review status: criteria provided, single submitter. Criteria: Invitae Variant Classification Sherloc (09022015). Collection method: clinical testing. Allele origin: germline.
Comment: This sequence change replaces leucine, which is neutral and non-polar, with phenylalanine, which is neutral and non-polar, at codon 171 of the CLCN1 protein (p.Leu171Phe). This variant is not present in population databases (gnomAD no frequency). This variant has not been reported in the literature in individuals affected with CLCN1-related conditions. Invitae Evidence Modeling of protein sequence and biophysical properties (such as structural, functional, and spatial information, amino acid conservation, physicochemical variation, residue mobility, and thermodynamic stability) has been performed for this missense variant. However, the output from this modeling did not meet the statistical confidence thresholds required to predict the impact of this variant on CLCN1 protein function. In summary, the available evidence is currently insufficient to determine the role of this variant in disease. Therefore, it has been classified as a Variant of Uncertain Significance.

NM_000083.3(CLCN1):c.511C>T (p.Leu171Phe)

Gene: CLCN1 (chloride voltage-gated channel 1; plus strand). Cytogenetic location: 7q34.
Variant type: single nucleotide variant.
Coding change: c.511C>T on transcript NM_000083.3 (MANE Select); coding-DNA position 511, C replaced by T.
Protein change: p.Leu171Phe; replaces leucine 171 with phenylalanine.
Molecular consequence: missense variant. On other transcripts: non-coding transcript variant (1).
Genome position (GRCh38, 1-based): chr7:143,321,442, C>T. VCF-style: chr7-143321442-C-T. GRCh37 (hg19) VCF-style: chr7-143018535-C-T.
Other names: short protein forms L171F.
Identifiers: ClinVar variation 3758565 (VCV003758565.3).
Genomic context (GRCh38, chr7:143,321,442, plus strand): 5'-GCGCAGATGCAGCCCAGCCTTCCTCTGCAGTTCCTGGTCTGGGTCACCTTCCCACTAGTC[C>T]TCATCCTCTTCAGCGCCCTCTTCTGCCACCTCATCTCTCCCCAGGCTGTTGGTGAGAACT-3'
Protein context (NP_000074.3, residues 161-181): FLVWVTFPLV[Leu171Phe]ILFSALFCHL